The following is an entry in ClinVar:

ClinVar aggregate classification (germline): Benign. Review status: criteria provided, multiple submitters, no conflicts (2 of 4 stars). 13 submissions from 13 submitters: Benign (10). 3 of the submissions do not count toward it. Last evaluated 2026-06-23.

Conditions:
Connective tissue disorder. Also called: Connective tissue disease. Identifiers: MedGen C0009782, MONDO:0003900.
FGFR3-related chondrodysplasia. Identifiers: Orphanet 93420, MedGen C5681604, MONDO:0019685.

Allele frequency attached by ClinVar (database versions not stated): 1000 Genomes Project 30x 0.01999; 1000 Genomes Project 0.02017; TOPMed 0.03358; gnomAD 0.03551 and 0.03579; ESP Exome Variant Server 0.03733; ExAC 0.03942; gnomAD exomes 0.03958.
gnomAD v4.1: 69,928 of 1,612,894 alleles (4.3%); highest among the groups gnomAD compares: Middle Eastern, 7.6%; 1,737 homozygotes.

Submissions (13):

Genomenon, Inc
Classification: Benign for FGFR3-related chondrodysplasia. Last evaluated: 2026-06-23. Review status: criteria provided, single submitter. Criteria: Genomenon Sequence Variant Interpretation Standards - Updated. Collection method: curation. Allele origin: germline. Affected: no.
Comment: FGFR3 p.Asp139= (c.417C>T) is a synonymous variant that retains Aspartic acid at codon 139. This variant is present at high allele frequency in population databases. We classify FGFR3 p.Asp139= (c.417C>T) as a benign variant.

Women's Health and Genetics/Laboratory Corporation of America, LabCorp
Classification: Benign. Last evaluated: 2026-05-09. Review status: criteria provided, single submitter. Criteria: LabCorp Variant Classification Summary - May 2015. Collection method: clinical testing. Allele origin: germline.

Labcorp Genetics (formerly Invitae), Labcorp
Classification: Benign. Last evaluated: 2026-02-01. Review status: criteria provided, single submitter. Criteria: Invitae Variant Classification Sherloc (09022015). Collection method: clinical testing. Allele origin: germline.

CeGaT Center for Human Genetics Tuebingen
Classification: Benign. Last evaluated: 2025-03-01. Review status: criteria provided, single submitter. Criteria: CeGaT Center For Human Genetics Tuebingen Variant Classification Criteria Version 2. Collection method: clinical testing. Allele origin: germline. Affected: yes. Observed: 1 variant allele.
Comment: FGFR3: BP4, BP7, BS1, BS2

Blueprint Genetics
Classification: Benign. Last evaluated: 2024-11-26. Review status: criteria provided, single submitter. Criteria: ACMG Guidelines, 2015. Collection method: clinical testing. Allele origin: germline.

Genome Diagnostics Laboratory, The Hospital for Sick Children
Classification: Benign for Connective tissue disorder. Last evaluated: 2022-05-12. Review status: criteria provided, single submitter. Criteria: ACMG Guidelines, 2015. Collection method: clinical testing. Allele origin: germline.

Athena Diagnostics
Classification: Benign. Last evaluated: 2018-05-05. Review status: criteria provided, single submitter. Criteria: Athena Diagnostics Criteria. Collection method: clinical testing. Allele origin: germline.

GeneDx
Classification: Benign. Last evaluated: 2016-03-03. Review status: criteria provided, single submitter. Criteria: GeneDx Variant Classification (06012015). Collection method: clinical testing. Allele origin: germline. Affected: yes.
Comment: This variant is considered likely benign or benign based on one or more of the following criteria: it is a conservative change, it occurs at a poorly conserved position in the protein, it is predicted to be benign by multiple in silico algorithms, and/or has population frequency not consistent with disease.

Breakthrough Genomics
Classification: Benign. Review status: criteria provided, single submitter. Criteria: ACMG Guidelines, 2015. Collection method: not provided. Allele origin: germline. Inheritance: Autosomal dominant inheritance. Affected: yes.

PreventionGenetics, part of Exact Sciences
Classification: Benign. Review status: criteria provided, single submitter. Criteria: ACMG Guidelines, 2015. Collection method: clinical testing. Allele origin: germline.

Clinical Genetics DNA and cytogenetics Diagnostics Lab, Erasmus MC, Erasmus Medical Center
Classification: Benign. Review status: no assertion criteria provided. Collection method: clinical testing. Allele origin: germline. Affected: yes. Study: VKGL Data-share Consensus. Not counted in ClinVar's aggregate classification.

Joint Genome Diagnostic Labs from Nijmegen and Maastricht, Radboudumc and MUMC+
Classification: Benign. Review status: no assertion criteria provided. Collection method: clinical testing. Allele origin: germline. Affected: yes. Study: VKGL Data-share Consensus. Not counted in ClinVar's aggregate classification.

Laboratory of Diagnostic Genome Analysis, Leiden University Medical Center (LUMC)
Classification: Benign. Review status: no assertion criteria provided. Collection method: clinical testing. Allele origin: germline. Affected: yes. Study: VKGL Data-share Consensus. Not counted in ClinVar's aggregate classification.

NM_000142.5(FGFR3):c.417C>T (p.Asp139=)

Gene: FGFR3 (fibroblast growth factor receptor 3; plus strand). Cytogenetic location: 4p16.3.
Variant type: single nucleotide variant.
Coding change: c.417C>T on transcript NM_000142.5 (MANE Select); coding-DNA position 417, C replaced by T.
Protein change: p.Asp139=; no amino-acid change (aspartic acid 139 retained).
Molecular consequence: synonymous variant. On other transcripts: non-coding transcript variant (1).
Genome position (GRCh38, 1-based): chr4:1,799,784, C>T. VCF-style: chr4-1799784-C-T. GRCh37 (hg19) VCF-style: chr4-1801511-C-T.
Other names: c.417C>T, p.Asp139= (NM_001163213.2, NM_001354809.2, NM_001354810.2 and 1 more transcripts).
Identifiers: ClinVar variation 255340 (VCV000255340.31), dbSNP rs3135867, ClinGen allele CA2809812.
Genomic context (GRCh38, chr4:1,799,784, plus strand): 5'-TTGCGGCCATCTCTGCCTTGCAGACGCTCCATCCTCGGGAGATGACGAAGACGGGGAGGA[C>T]GAGGCTGAGGACACAGGTGTGGACACAGGTAGGAGCAGGGTCCAGGGTTCAGGCCAGCCG-3'
Protein context (NP_000133.1, residues 129-149): PSSGDDEDGE[Asp139=]EAEDTGVDTG